The following is an entry in ClinVar:

NM_017999.5(RNF31):c.2489G>A (p.Arg830His)

Gene: RNF31 (ring finger protein 31; plus strand). Cytogenetic location: 14q12.
Variant type: single nucleotide variant.
Coding change: c.2489G>A on transcript NM_017999.5 (MANE Select); coding-DNA position 2489, G replaced by A.
Protein change: p.Arg830His; replaces arginine 830 with histidine.
Molecular consequence: missense variant.
Genome position (GRCh38, 1-based): chr14:24,155,688, G>A. VCF-style: chr14-24155688-G-A. GRCh37 (hg19) VCF-style: chr14-24624897-G-A.
Other names: c.2036G>A, p.Arg679His (NM_001310332.2); short protein forms R679H, R830H.
Identifiers: ClinVar variation 2114389 (VCV002114389.4), dbSNP rs907550313, ClinGen allele CA257873555.
Genomic context (GRCh38, chr14:24,155,688, plus strand): 5'-GTGAGCAGCTGGAGGCAACTTGTCCCCAGTGTCACCAGACCTTCTGTGTGCGCTGCAAGC[G>A]CCAGGTGAGGCACATTCATCCTTTCAGAAATACTTGCTGAGCTACTGCCAGGTACTGTGT-3'
Protein context (NP_060469.4, residues 820-840): CHQTFCVRCK[Arg830His]QWEEQHRGRS

ClinVar aggregate classification (germline): Uncertain significance (1 of 4 stars; one submission).

Allele frequency attached by ClinVar (database versions not stated): gnomAD 0.00001; gnomAD exomes 0.00001.
gnomAD v4.1: 10 of 1,613,372 alleles (0.00062%); highest among the groups gnomAD compares: East Asian, 0.0022%; no homozygotes.

Submission:

Labcorp Genetics (formerly Invitae), Labcorp
Classification: Uncertain significance. Last evaluated: 2022-02-22. Review status: criteria provided, single submitter. Criteria: Invitae Variant Classification Sherloc (09022015). Collection method: clinical testing. Allele origin: germline.
Comment: This sequence change replaces arginine, which is basic and polar, with histidine, which is basic and polar, at codon 830 of the RNF31 protein (p.Arg830His). This variant is not present in population databases (gnomAD no frequency). This variant has not been reported in the literature in individuals affected with RNF31-related conditions. Algorithms developed to predict the effect of missense changes on protein structure and function are either unavailable or do not agree on the potential impact of this missense change (SIFT: "Deleterious"; PolyPhen-2: "Probably Damaging"; Align-GVGD: "Class C0"). In summary, the available evidence is currently insufficient to determine the role of this variant in disease. Therefore, it has been classified as a Variant of Uncertain Significance.